The following is an entry in ClinVar:

NM_001184.4(ATR):c.342del (p.Ser115fs)

Gene: ATR (ATR checkpoint kinase; minus strand). Cytogenetic location: 3q23.
Variant type: Deletion.
Coding change: c.342del on transcript NM_001184.4 (MANE Select); coding-DNA position 342, one base deleted (C; older notation c.342delC).
Protein change: p.Ser115fs; shifts the reading frame from serine 115.
Molecular consequence: frameshift variant.
Genome position (GRCh38, 1-based): chr3:142,563,060, G deleted on the plus strand (C on the coding strand, the reverse complement: ATR is on the minus strand); the first of 3 consecutive G bases (chr3:142,563,060-142,563,062); deleting any one gives the same sequence. VCF-style (leftmost placement, unchanged base first): chr3-142563059-AG-A. GRCh37 (hg19) VCF-style: chr3-142281901-AG-A.
Other names: c.342del, p.Ser115fs (NM_001354579.2); short protein forms S115fs.
Identifiers: ClinVar variation 4804516 (VCV004804516.1).
Genomic context (GRCh38, chr3:142,563,059, plus strand): 5'-TAAAAAGAAATAATAATGAACAGATGACTTCACAGATTTTCTTGTGTAACAAATGACAGG[AG>A]GGAGTTGCTGCAATCCGCAGAAGTCTCGTTATGATCCAATTACTGAATTCTTTGAAATAA-3'

ClinVar aggregate classification (germline): Pathogenic (1 of 4 stars; one submission).

Submission:

Labcorp Genetics (formerly Invitae), Labcorp
Classification: Pathogenic. Last evaluated: 2025-10-06. Review status: criteria provided, single submitter. Criteria: Invitae Variant Classification Sherloc (09022015). Collection method: clinical testing. Allele origin: germline.
Comment: This sequence change creates a premature translational stop signal (p.Ser115Profs*50) in the ATR gene. It is expected to result in an absent or disrupted protein product. Loss-of-function variants in ATR are known to be pathogenic (PMID: 21228398, 23144622). This variant is not present in population databases (gnomAD no frequency). This variant has not been reported in the literature in individuals affected with ATR-related conditions. For these reasons, this variant has been classified as Pathogenic.

Literature cited by the submitters: PubMed 21228398; PubMed 23144622.